The following is an entry in ClinVar:

NM_001267727.2(ARSG):c.1150C>T (p.Arg384Trp)

Gene: ARSG (arylsulfatase G; plus strand). Cytogenetic location: 17q24.2.
Variant type: single nucleotide variant.
Coding change: c.1150C>T on transcript NM_001267727.2 (MANE Select); coding-DNA position 1150, C replaced by T.
Protein change: p.Arg384Trp; replaces arginine 384 with tryptophan.
Molecular consequence: missense variant.
Genome position (GRCh38, 1-based): chr17:68,395,131, C>T. VCF-style: chr17-68395131-C-T. GRCh37 (hg19) VCF-style: chr17-66391272-C-T.
Other names: c.1150C>T, p.Arg384Trp (NM_001352899.2, NM_001352900.2, NM_001352901.2 and 3 more transcripts); c.1147C>T, p.Arg383Trp (NM_001352903.2, NM_001352904.2, NM_001352905.2 and 2 more transcripts); c.1102C>T, p.Arg368Trp (NM_001352909.2); short protein forms R383W, R384W, R368W.
Identifiers: ClinVar variation 848050 (VCV000848050.9), dbSNP rs150072981, ClinGen allele CA8728497.

ClinVar aggregate classification (germline): Conflicting classifications of pathogenicity. Review status: criteria provided, conflicting classifications (1 of 4 stars). 3 submissions from 3 submitters: Likely pathogenic (1); Uncertain significance (2). Last evaluated 2026-05-26.

Conditions:
ARSG-related disorder. Also called: ARSG-related condition.

Allele frequency attached by ClinVar (database versions not stated): gnomAD 0.00006; TOPMed 0.00006; 1000 Genomes Project 30x 0.00016; ESP Exome Variant Server 0.00023.
gnomAD v4.1: 117 of 1,614,114 alleles (0.0072%); highest among the groups gnomAD compares: South Asian, 0.011%; no homozygotes.

Submissions (3):

PreventionGenetics, part of Exact Sciences
Classification: Likely pathogenic for ARSG-related condition. Last evaluated: 2026-05-26. Review status: criteria provided, single submitter. Criteria: ACMG Guidelines, 2015. Collection method: clinical testing. Allele origin: germline.
Comment: The ARSG c.1150C>T variant is predicted to result in the amino acid substitution p.Arg384Trp. This variant has been reported in the homozygous and heterozygous state along with a second causative variant in four unrelated individuals with hearing loss and retinal disease, and an in vitro functional study showed that this variant results in loss of function (Bauwens et al. 2024. PubMed ID: 39199020). This variant is reported in 0.023% of alleles in individuals of South Asian descent in gnomAD. This variant is interpreted as likely pathogenic.

Blueprint Genetics
Classification: Uncertain significance. Last evaluated: 2023-06-29. Review status: criteria provided, single submitter. Criteria: ACMG Guidelines, 2015. Collection method: clinical testing. Allele origin: germline.

Labcorp Genetics (formerly Invitae), Labcorp
Classification: Uncertain significance. Last evaluated: 2022-08-10. Review status: criteria provided, single submitter. Criteria: Invitae Variant Classification Sherloc (09022015). Collection method: clinical testing. Allele origin: germline.
Comment: This sequence change replaces arginine, which is basic and polar, with tryptophan, which is neutral and slightly polar, at codon 384 of the ARSG protein (p.Arg384Trp). This variant is present in population databases (rs150072981, gnomAD 0.02%). This variant has not been reported in the literature in individuals affected with ARSG-related conditions. ClinVar contains an entry for this variant (Variation ID: 848050). Algorithms developed to predict the effect of missense changes on protein structure and function are either unavailable or do not agree on the potential impact of this missense change (SIFT: "Deleterious"; PolyPhen-2: "Probably Damaging"; Align-GVGD: "Class C0"). In summary, the available evidence is currently insufficient to determine the role of this variant in disease. Therefore, it has been classified as a Variant of Uncertain Significance.